The following is an entry in ClinVar:

NM_001458.5(FLNC):c.2391C>A (p.Gly797=)

Gene: FLNC (filamin C; plus strand). Cytogenetic location: 7q32.1.
Variant type: single nucleotide variant.
Coding change: c.2391C>A on transcript NM_001458.5 (MANE Select); coding-DNA position 2391, C replaced by A.
Protein change: p.Gly797=; no amino-acid change (glycine 797 retained).
Molecular consequence: synonymous variant.
Genome position (GRCh38, 1-based): chr7:128,842,795, C>A. VCF-style: chr7-128842795-C-A. GRCh37 (hg19) VCF-style: chr7-128482849-C-A.
Other names: c.2391C>A, p.Gly797= (NM_001127487.2).
Identifiers: ClinVar variation 508889 (VCV000508889.13), dbSNP rs374768092, ClinGen allele CA4474722.

ClinVar aggregate classification (germline): Likely benign. Review status: criteria provided, multiple submitters, no conflicts (2 of 4 stars). 4 submissions from 4 submitters: Likely benign (4). Last evaluated 2026-05-01.

Conditions:
Cardiovascular phenotype. Identifiers: MedGen CN230736.
Myofibrillar myopathy 5. Also called: FILAMINOPATHY, AUTOSOMAL DOMINANT; Filaminopathy (type). Identifiers: Orphanet 171445, MedGen C1836050, MONDO:0012289, OMIM 609524.
Distal myopathy with posterior leg and anterior hand involvement. Also called: WILLIAMS DISTAL MYOPATHY. Identifiers: Orphanet 63273, MedGen C3279722, MONDO:0013550, OMIM 614065.
Hypertrophic cardiomyopathy 26. Also called: Cardiomyopathy, familial hypertrophic, 26. Identifiers: Orphanet 75249, MedGen C4310749, MONDO:0014883, OMIM 617047.

Allele frequency attached by ClinVar (database versions not stated): TOPMed 0.00004; ESP Exome Variant Server 0.00008.

Submissions (4):

CeGaT Center for Human Genetics Tuebingen
Classification: Likely benign. Last evaluated: 2026-05-01. Review status: criteria provided, single submitter. Criteria: CeGaT Center For Human Genetics Tuebingen Variant Classification Criteria Version 2. Collection method: clinical testing. Allele origin: germline. Affected: yes. Observed: 1 variant allele.
Comment: FLNC: BP4, BP7

Labcorp Genetics (formerly Invitae), Labcorp
Classification: Likely benign for Distal myopathy with posterior leg and anterior hand involvement; Myofibrillar myopathy 5; Hypertrophic cardiomyopathy 26. Last evaluated: 2025-04-13. Review status: criteria provided, single submitter. Criteria: Invitae Variant Classification Sherloc (09022015). Collection method: clinical testing. Allele origin: germline.

Ambry Genetics
Classification: Likely benign for Cardiovascular phenotype. Last evaluated: 2020-09-30. Review status: criteria provided, single submitter. Criteria: Ambry Variant Classification Scheme 2023. Collection method: clinical testing. Allele origin: germline.

GeneDx
Classification: Likely benign. Last evaluated: 2017-04-13. Review status: criteria provided, single submitter. Criteria: GeneDx Variant Classification (06012015). Collection method: clinical testing. Allele origin: germline. Affected: yes.
Comment: This variant is considered likely benign or benign based on one or more of the following criteria: it is a conservative change, it occurs at a poorly conserved position in the protein, it is predicted to be benign by multiple in silico algorithms, and/or has population frequency not consistent with disease.